The following is an entry in ClinVar:

NM_001370259.2(MEN1):c.1174G>T (p.Glu392Ter)

Gene: MEN1 (menin 1; minus strand). Cytogenetic location: 11q13.1.
Variant type: single nucleotide variant.
Coding change: c.1174G>T on transcript NM_001370259.2 (MANE Select); coding-DNA position 1174, G replaced by T.
Protein change: p.Glu392Ter; replaces glutamic acid 392 with a stop codon.
Molecular consequence: nonsense.
Genome position (GRCh38, 1-based): chr11:64,805,646, C>A on the plus strand (G>T on the coding strand, the complement: MEN1 is on the minus strand). VCF-style: chr11-64805646-C-A. GRCh37 (hg19) VCF-style: chr11-64573118-C-A.
Other names: c.1189G>T, p.Glu397Ter (NM_000244.4, NM_130800.3, NM_130801.3 and 3 more transcripts); c.1300G>T, p.Glu434Ter (NM_001370251.2); c.1174G>T, p.Glu392Ter (NM_001370260.2, NM_001370261.2, NM_130799.3); c.1069G>T, p.Glu357Ter (NM_001370262.2, NM_001370263.2); short protein forms E397*, E392*, E434*, E357*.
Identifiers: ClinVar variation 403811 (VCV000403811.12), dbSNP rs772588551, ClinGen allele CA16613679.
Genomic context (GRCh38, chr11:64,805,646, plus strand): 5'-CCCTGTCCAGGTGGGAGGCTGGACACAGGCTGGAGCTCCAGCCTTTCACCTGGCTTTGCT[C>A]CCCCGGCCGCTCCTCGCCCGCCTCCAGCAAGCTGGCTGCCTCCTTCAGCAGGTTGGGGAT-3'

ClinVar aggregate classification (germline): Pathogenic. Review status: criteria provided, multiple submitters, no conflicts (2 of 4 stars). 3 submissions from 3 submitters: Pathogenic (3). Last evaluated 2017-08-08.

Conditions:
Hereditary cancer-predisposing syndrome. Also called: Tumor predisposition; Neoplastic Syndromes, Hereditary; Hereditary Cancer Syndrome; Hereditary neoplastic syndrome. Identifiers: Orphanet 140162, MedGen C0027672, MeSH D009386, MONDO:0015356.
Multiple endocrine neoplasia, type 1 (MEN1). Also called: MEN I; WERMER SYNDROME; Endocrine adenomatosis multiple; MEN 1; MEA I. Identifiers: Orphanet 652, MedGen C0025267, MeSH D018761, MONDO:0007540, OMIM 131100.

Submissions (3):

GeneDx
Classification: Pathogenic. Last evaluated: 2017-08-08. Review status: criteria provided, single submitter. Criteria: GeneDx Variant Classification (06012015). Collection method: clinical testing. Allele origin: germline. Affected: yes.
Comment: The E392X variant in the MEN1 gene has previously been reported in at least one individual with a clinical diagnosis of multiple endocrine neoplasia type 1 (Schaaf et al., 2007). This variant is predicted to cause loss of normal protein function either through protein truncation or nonsense-mediated mRNA decay. The E392X variant is not observed in large population cohorts (Lek et al., 2016; 1000 Genomes Consortium et al., 2015; Exome Variant Server). Based on currently available evidence, we consider E392X to be pathogenic.

Ambry Genetics
Classification: Pathogenic for Hereditary cancer-predisposing syndrome. Last evaluated: 2017-05-26. Review status: criteria provided, single submitter. Criteria: Ambry Variant Classification Scheme 2023. Collection method: clinical testing. Allele origin: germline.
Comment: The p.E392* pathogenic mutation (also known as c.1174G>T), located in coding exon 7 of the MEN1 gene, results from a G to T substitution at nucleotide position 1174. This changes the amino acid from a glutamic acid to a stop codon within coding exon 7. This mutaiton has been previously reported in an MEN1 family (Engelbach M et al. Int. J. Mol. Med. 1999 Nov;4:483-5). In addition to the clinical data presented in the literature, this alteration is expected to result in loss of function by premature protein truncation or nonsense-mediated mRNA decay. As such, this alteration is interpreted as a disease-causing mutation.

Labcorp Genetics (formerly Invitae), Labcorp
Classification: Pathogenic for Multiple endocrine neoplasia, type 1. Last evaluated: 2017-01-03. Review status: criteria provided, single submitter. Criteria: Invitae Variant Classification Sherloc (09022015). Collection method: clinical testing. Allele origin: germline.
Comment: This sequence change creates a premature translational stop signal at codon 392 (p.Glu392*) of the MEN1 gene. It is expected to result in an absent or disrupted protein product. For these reasons, this variant has been classified as Pathogenic. Loss-of-function variants in MEN1 are known to be pathogenic. This particular variant has been reported in the literature in a family and in unrelated individuals affected with multiple endocrine neoplasia type 1 (MEN1)-related cancers (PMID: 10534569, 9458074, 17853334) and in an individual affected with MEN1-related primary hyperparathyroidism (PMID: 27846313). This variant is also known as G1284T, 1284G>T and E392Stop in the literature.

Literature cited by the submitters: PubMed 10534569 (cited by Ambry Genetics and Labcorp Genetics (formerly Invitae), Labcorp); PubMed 9458074 (cited by Labcorp Genetics (formerly Invitae), Labcorp); PubMed 17853334 (cited by Labcorp Genetics (formerly Invitae), Labcorp); PubMed 27846313 (cited by Labcorp Genetics (formerly Invitae), Labcorp).